The following is an entry in ClinVar:

NM_001042492.3(NF1):c.4961T>C (p.Phe1654Ser)

Gene: NF1 (neurofibromin 1; plus strand). Cytogenetic location: 17q11.2.
Variant type: single nucleotide variant.
Coding change: c.4961T>C on transcript NM_001042492.3 (MANE Select); coding-DNA position 4961, T replaced by C.
Protein change: p.Phe1654Ser; replaces phenylalanine 1654 with serine.
Molecular consequence: missense variant.
Genome position (GRCh38, 1-based): chr17:31,325,945, T>C. VCF-style: chr17-31325945-T-C. GRCh37 (hg19) VCF-style: chr17-29652963-T-C.
Other names: c.4898T>C, p.Phe1633Ser (NM_000267.4); short protein forms F1654S, F1633S.
Identifiers: ClinVar variation 825266 (VCV000825266.4), dbSNP rs1597829760, ClinGen allele CA399007197.

ClinVar aggregate classification (germline): Uncertain significance (1 of 4 stars; one submission).

Conditions:
Hereditary cancer-predisposing syndrome. Also called: Neoplastic Syndromes, Hereditary; Tumor predisposition; Hereditary neoplastic syndrome; Hereditary Cancer Syndrome. Identifiers: Orphanet 140162, MedGen C0027672, MeSH D009386, MONDO:0015356.
Cardiovascular phenotype. Identifiers: MedGen CN230736.

Submission:

Ambry Genetics
Classification: Uncertain significance for Cardiovascular phenotype; Hereditary cancer-predisposing syndrome. Last evaluated: 2019-03-22. Review status: criteria provided, single submitter. Criteria: Ambry Variant Classification Scheme 2023. Collection method: clinical testing. Allele origin: germline.
Comment: The p.F1633S variant (also known as c.4898T>C), located in coding exon 36 of the NF1 gene, results from a T to C substitution at nucleotide position 4898. The phenylalanine at codon 1633 is replaced by serine, an amino acid with highly dissimilar properties. This amino acid position is highly conserved in available vertebrate species. In addition, this alteration is predicted to be deleterious by in silico analysis. Since supporting evidence is limited at this time, the clinical significance of this alteration remains unclear.